The following is an entry in ClinVar:

ClinVar aggregate classification (germline): Uncertain significance (1 of 4 stars; one submission).

Conditions:
Hereditary cancer-predisposing syndrome. Also called: Neoplastic Syndromes, Hereditary; Tumor predisposition; Hereditary neoplastic syndrome; Hereditary Cancer Syndrome. Identifiers: Orphanet 140162, MedGen C0027672, MeSH D009386, MONDO:0015356.

Allele frequency attached by ClinVar (database versions not stated): gnomAD exomes below 0.00001.
gnomAD v4.1: 1 of 1,586,416 alleles (0.000063%); highest among the groups gnomAD compares: Non-Finnish European, 0.000087%; no homozygotes.

Submission:

Ambry Genetics
Classification: Uncertain significance for Hereditary cancer-predisposing syndrome. Last evaluated: 2023-09-20. Review status: criteria provided, single submitter. Criteria: Ambry Variant Classification Scheme 2023. Collection method: clinical testing. Allele origin: germline.
Comment: The p.T791N variant (also known as c.2372C>A), located in coding exon 16 of the PDGFRA gene, results from a C to A substitution at nucleotide position 2372. The threonine at codon 791 is replaced by asparagine, an amino acid with similar properties. This amino acid position is conserved. In addition, this alteration is predicted to be tolerated by in silico analysis. Since supporting evidence is limited at this time, the clinical significance of this alteration remains unclear.

NM_006206.6(PDGFRA):c.2372C>A (p.Thr791Asn)

Gene: PDGFRA (platelet derived growth factor receptor alpha; plus strand). Cytogenetic location: 4q12.
Variant type: single nucleotide variant.
Coding change: c.2372C>A on transcript NM_006206.6 (MANE Select); coding-DNA position 2372, C replaced by A.
Protein change: p.Thr791Asn; replaces threonine 791 with asparagine.
Molecular consequence: missense variant.
Genome position (GRCh38, 1-based): chr4:54,285,419, C>A. VCF-style: chr4-54285419-C-A. GRCh37 (hg19) VCF-style: chr4-55151586-C-A.
Other names: c.2447C>A, p.Thr816Asn (NM_001347828.2); c.2372C>A, p.Thr791Asn (NM_001347829.2); c.2411C>A, p.Thr804Asn (NM_001347830.2); short protein forms T791N, T804N, T816N.
Identifiers: ClinVar variation 3225282 (VCV003225282.1), dbSNP rs1724302715, ClinGen allele CA356894680.